The following is an entry in ClinVar:

NM_002474.3(MYH11):c.1571G>A (p.Arg524Gln)

Gene: MYH11 (myosin heavy chain 11; minus strand). Cytogenetic location: 16p13.11.
Variant type: single nucleotide variant.
Coding change: c.1571G>A on transcript NM_002474.3 (MANE Select); coding-DNA position 1571, G replaced by A.
Protein change: p.Arg524Gln; replaces arginine 524 with glutamine.
Molecular consequence: missense variant.
Genome position (GRCh38, 1-based): chr16:15,757,831, C>T on the plus strand (G>A on the coding strand, the complement: MYH11 is on the minus strand). VCF-style: chr16-15757831-C-T. GRCh37 (hg19) VCF-style: chr16-15851688-C-T.
Other names: c.1592G>A, p.Arg531Gln (NM_001040113.2, NM_001040114.2); c.1571G>A, p.Arg524Gln (NM_022844.3); short protein forms R524Q, R531Q.
Identifiers: ClinVar variation 318171 (VCV000318171.8), dbSNP rs886051764, ClinGen allele CA10643094.

ClinVar aggregate classification (germline): Uncertain significance. Review status: criteria provided, multiple submitters, no conflicts (2 of 4 stars). 3 submissions from 3 submitters: Uncertain significance (3). Last evaluated 2024-08-06.

Conditions:
Familial thoracic aortic aneurysm and aortic dissection (TAAD). Also called: Thoracic aortic aneurysms and dissections. Identifiers: Orphanet 91387, MedGen C4707243, MONDO:0019625.
Aortic aneurysm, familial thoracic 4 (AAT4). Also called: AORTIC ANEURYSM/AORTIC DISSECTION AND PATENT DUCTUS ARTERIOSUS. Identifiers: MedGen C1851504, MONDO:0007568, OMIM 132900.

Allele frequency attached by ClinVar (database versions not stated): gnomAD exomes below 0.00001 and 0.00002.
gnomAD v4.1: 31 of 1,614,184 alleles (0.0019%); highest among the groups gnomAD compares: Non-Finnish European, 0.0025%; no homozygotes.

Submissions (3):

All of Us Research Program, National Institutes of Health
Classification: Uncertain significance for Familial thoracic aortic aneurysm and aortic dissection. Last evaluated: 2024-08-06. Review status: criteria provided, single submitter. Criteria: ACMG Guidelines, 2015. Collection method: clinical testing. Allele origin: germline. Inheritance: Autosomal dominant inheritance. Observed: 3 variant alleles, 3 heterozygotes.
Comment: This missense variant replaces arginine with glutamine at codon 531 of the MYH11 protein. Computational prediction suggests that this variant may not impact protein structure and function (internally defined REVEL score threshold <= 0.5, PMID: 27666373). To our knowledge, functional studies have not been reported for this variant. This variant has not been reported in individuals affected with MYH11-related disorders in the literature. This variant has been identified in 1/251064 chromosomes in the general population by the Genome Aggregation Database (gnomAD). The available evidence is insufficient to determine the role of this variant in disease conclusively. Therefore, this variant is classified as a Variant of Uncertain Significance.

This study involves interpretation of variants in research participants for the purpose of population health screening. Participant phenotype was not available at the time of variant classification. Additional details can be found in publication PMID: 35346344, PMCID: PMC8962531

Color Diagnostics, LLC DBA Color Health
Classification: Uncertain significance for Familial thoracic aortic aneurysm and aortic dissection. Last evaluated: 2024-05-20. Review status: criteria provided, single submitter. Criteria: ACMG Guidelines, 2015. Collection method: clinical testing. Allele origin: germline.
Comment: This missense variant replaces arginine with glutamine at codon 531 of the MYH11 protein. Computational prediction tools indicate that this variant has a neutral impact on protein structure and function. To our knowledge, functional studies have not been reported for this variant. This variant has not been reported in individuals affected with MYH11-related disorders in the literature. This variant has been identified in 1/251064 chromosomes in the general population by the Genome Aggregation Database (gnomAD). The available evidence is insufficient to determine the role of this variant in disease conclusively. Therefore, this variant is classified as a Variant of Uncertain Significance.

Illumina Laboratory Services, Illumina
Classification: Uncertain significance for Aortic aneurysm, familial thoracic 4. Last evaluated: 2018-01-13. Review status: criteria provided, single submitter. Criteria: ICSL Variant Classification Criteria 13 December 2019. Collection method: clinical testing. Allele origin: germline.